The following is an entry in ClinVar:

NM_004393.6(DAG1):c.1610C>T (p.Thr537Ile)

Gene: DAG1 (dystroglycan 1; plus strand). Cytogenetic location: 3p21.31.
Variant type: single nucleotide variant.
Coding change: c.1610C>T on transcript NM_004393.6 (MANE Select); coding-DNA position 1610, C replaced by T.
Protein change: p.Thr537Ile; replaces threonine 537 with isoleucine.
Molecular consequence: missense variant.
Genome position (GRCh38, 1-based): chr3:49,532,121, C>T. VCF-style: chr3-49532121-C-T. GRCh37 (hg19) VCF-style: chr3-49569554-C-T.
Other names: c.1610C>T, p.Thr537Ile (NM_001165928.4, NM_001177634.3, NM_001177635.3 and 9 more transcripts); short protein forms T537I.
Identifiers: ClinVar variation 1925645 (VCV001925645.5), dbSNP rs2472635045, ClinGen allele CA352795756.

ClinVar aggregate classification (germline): Uncertain significance (1 of 4 stars; one submission).

Conditions:
Muscular dystrophy-dystroglycanopathy (congenital with brain and eye anomalies), type A9. Also called: WALKER-WARBURG SYNDROME OR MUSCLE-EYE BRAIN DISEASE, DAG1-RELATED; Muscular dystrophy-dystroglycanopathy (congenital with brain and eye anomalies), type a, 9. Identifiers: Orphanet 370997, Orphanet 899, MedGen C4225291, MONDO:0014683, OMIM 616538.
Autosomal recessive limb-girdle muscular dystrophy type 2P. Also called: MUSCULAR DYSTROPHY-DYSTROGLYCANOPATHY, LIMB-GIRDLE, DAG1-RELATED; MUSCULAR DYSTROPHY, LIMB-GIRDLE, TYPE 2P; Limb-Girdle Muscular Dystrophy Type 9C. Identifiers: Orphanet 280333, MedGen C4511963, MONDO:0013440, OMIM 613818.

Allele frequency attached by ClinVar (database versions not stated): gnomAD exomes below 0.00001.
gnomAD v4.1: 1 of 1,614,222 alleles (0.000062%); highest among the groups gnomAD compares: Non-Finnish European, 0.000085%; no homozygotes.

Submission:

Labcorp Genetics (formerly Invitae), Labcorp
Classification: Uncertain significance for Autosomal recessive limb-girdle muscular dystrophy type 2P; Muscular dystrophy-dystroglycanopathy (congenital with brain and eye anomalies), type A9. Last evaluated: 2022-07-23. Review status: criteria provided, single submitter. Criteria: Invitae Variant Classification Sherloc (09022015). Collection method: clinical testing. Allele origin: germline.
Comment: This sequence change replaces threonine, which is neutral and polar, with isoleucine, which is neutral and non-polar, at codon 537 of the DAG1 protein (p.Thr537Ile). This variant is not present in population databases (gnomAD no frequency). In summary, the available evidence is currently insufficient to determine the role of this variant in disease. Therefore, it has been classified as a Variant of Uncertain Significance. Algorithms developed to predict the effect of missense changes on protein structure and function are either unavailable or do not agree on the potential impact of this missense change (SIFT: "Deleterious"; PolyPhen-2: "Possibly Damaging"; Align-GVGD: "Class C0"). This variant has not been reported in the literature in individuals affected with DAG1-related conditions.